The following is an entry in ClinVar:

NM_019066.5(MAGEL2):c.2125G>T (p.Gly709Cys)

Gene: MAGEL2 (MAGE family member L2; minus strand). Cytogenetic location: 15q11.2.
Variant type: single nucleotide variant.
Coding change: c.2125G>T on transcript NM_019066.5 (MANE Select); coding-DNA position 2125, G replaced by T.
Protein change: p.Gly709Cys; replaces glycine 709 with cysteine.
Molecular consequence: missense variant.
Genome position (GRCh38, 1-based): chr15:23,645,618, C>A on the plus strand (G>T on the coding strand, the complement: MAGEL2 is on the minus strand). VCF-style: chr15-23645618-C-A. GRCh37 (hg19) VCF-style: chr15-23890765-C-A.
Other names: short protein forms G709C.
Identifiers: ClinVar variation 4769002 (VCV004769002.1).

ClinVar aggregate classification (germline): Uncertain significance (1 of 4 stars; one submission).

Submission:

Labcorp Genetics (formerly Invitae), Labcorp
Classification: Uncertain significance. Last evaluated: 2025-09-02. Review status: criteria provided, single submitter. Criteria: Invitae Variant Classification Sherloc (09022015). Collection method: clinical testing. Allele origin: germline.
Comment: This sequence change replaces glycine, which is neutral and non-polar, with cysteine, which is neutral and slightly polar, at codon 709 of the MAGEL2 protein (p.Gly709Cys). This variant is not present in population databases (gnomAD no frequency). This variant has not been reported in the literature in individuals affected with MAGEL2-related conditions. Invitae Evidence Modeling of protein sequence and biophysical properties (such as structural, functional, and spatial information, amino acid conservation, physicochemical variation, residue mobility, and thermodynamic stability) has been performed for this missense variant. However, the output from this modeling did not meet the statistical confidence thresholds required to predict the impact of this variant on MAGEL2 protein function. In summary, the available evidence is currently insufficient to determine the role of this variant in disease. Therefore, it has been classified as a Variant of Uncertain Significance.